The following is an entry in ClinVar:

NM_001211.6(BUB1B):c.44T>C (p.Met15Thr)

Gene: BUB1B (BUB1 mitotic checkpoint serine/threonine kinase B; plus strand). Cytogenetic location: 15q15.1.
Variant type: single nucleotide variant.
Coding change: c.44T>C on transcript NM_001211.6 (MANE Select); coding-DNA position 44, T replaced by C.
Protein change: p.Met15Thr; replaces methionine 15 with threonine.
Molecular consequence: missense variant.
Genome position (GRCh38, 1-based): chr15:40,165,061, T>C. VCF-style: chr15-40165061-T-C. GRCh37 (hg19) VCF-style: chr15-40457262-T-C.
Other names: short protein forms M15T.
Identifiers: ClinVar variation 969118 (VCV000969118.10), dbSNP rs1392369693, ClinGen allele CA391676881.
Genomic context (GRCh38, chr15:40,165,061, plus strand): 5'-GCTATAATAGTCAATGTTGGTATGAGATTTACATTTGTTTCCTTCTTCACAGTGAAGCCA[T>C]GTCCCTGGAGGGAGATGAATGGGAACTGAGTAAAGAAAATGTACAACCTTTAAGGCAAGG-3'
Protein context (NP_001202.5, residues 5-25): KKEGGALSEA[Met15Thr]SLEGDEWELS

ClinVar aggregate classification (germline): Uncertain significance. Review status: criteria provided, multiple submitters, no conflicts (2 of 4 stars). 2 submissions from 2 submitters: Uncertain significance (2). Last evaluated 2024-05-06.

Conditions:
Mosaic variegated aneuploidy syndrome 1 (MVA1). Also called: Warburton-Anyane-Yeboa syndrome. Identifiers: Orphanet 1052, MedGen C1850343, MONDO:0009759, OMIM 257300.
Inborn genetic diseases. Identifiers: MedGen C0950123, MeSH D030342.

Allele frequency attached by ClinVar (database versions not stated): gnomAD exomes below 0.00001 and 0.00001; gnomAD 0.00002; TOPMed 0.00002.

Submissions (2):

Labcorp Genetics (formerly Invitae), Labcorp
Classification: Uncertain significance for Mosaic variegated aneuploidy syndrome 1. Last evaluated: 2024-05-06. Review status: criteria provided, single submitter. Criteria: Invitae Variant Classification Sherloc (09022015). Collection method: clinical testing. Allele origin: germline.
Comment: This sequence change replaces methionine, which is neutral and non-polar, with threonine, which is neutral and polar, at codon 15 of the BUB1B protein (p.Met15Thr). This variant is present in population databases (no rsID available, gnomAD 0.0009%). This variant has not been reported in the literature in individuals affected with BUB1B-related conditions. ClinVar contains an entry for this variant (Variation ID: 969118). Algorithms developed to predict the effect of missense changes on protein structure and function output the following: SIFT: "Not Available"; PolyPhen-2: "Benign"; Align-GVGD: "Not Available". The threonine amino acid residue is found in multiple mammalian species, which suggests that this missense change does not adversely affect protein function. In summary, the available evidence is currently insufficient to determine the role of this variant in disease. Therefore, it has been classified as a Variant of Uncertain Significance.

Ambry Genetics
Classification: Uncertain significance for Inborn genetic diseases. Last evaluated: 2023-08-29. Review status: criteria provided, single submitter. Criteria: Ambry Variant Classification Scheme 2023. Collection method: clinical testing. Allele origin: germline.
Comment: The p.M15T variant (also known as c.44T>C), located in coding exon 2 of the BUB1B gene, results from a T to C substitution at nucleotide position 44. The methionine at codon 15 is replaced by threonine, an amino acid with similar properties. This amino acid position is conserved. In addition, this alteration is predicted to be tolerated by in silico analysis. Since supporting evidence is limited at this time, the clinical significance of this alteration remains unclear.